The following is an entry in ClinVar:

ClinVar aggregate classification (germline): Pathogenic (3 of 4 stars; one submission).

Conditions:
Glanzmann thrombasthenia. Also called: PLATELET GLYCOPROTEIN IIb-IIIa DEFICIENCY; BLEEDING DISORDER, PLATELET-TYPE, 2; THROMBASTHENIA OF GLANZMANN AND NAEGELI; Thrombasthenia; Glanzmann's thrombasthenia. Identifiers: Orphanet 849, MedGen C0040015, MONDO:0100326.

Allele frequency attached by ClinVar (database versions not stated): TOPMed below 0.00001.
gnomAD v4.1: 1 of 1,614,022 alleles (0.000062%); no homozygotes.

Submission:

ClinGen Platelet Disorders Variant Curation Expert Panel, ClinGen
Classification: Pathogenic for Glanzmann thrombasthenia. Last evaluated: 2022-11-15. Review status: reviewed by expert panel. Criteria: ClinGen Platelet ACMG Specifications v2-1. Collection method: curation. Allele origin: germline. Inheritance: Autosomal recessive inheritance.
Comment: NM_000419.5(ITGA2B):c.2702C>A (p.Ser901Ter) found in three unrelated homozygous probands from Tunisia (PMID:30325339; PM3) causes a premature stop codon at exon 26 and is predicted to undergo nonsense mediated decay (PVS1). At least one patient with this variant displayed abnormal bleeding and an impaired response to agonists, with a normal response to ristocetin, which is characteristic of Glanzmann thrombasthenia (PMID:30325339; PP4_moderate). The variant was not found in gnomAD v2.1.1 (PM2_supporting). In summary, this variant meets the criteria to be classified as pathogenic for autosomal recessive Glanzmann thrombasthenia based on the ACMG/AMP criteria applied, as specified by the ClinGen PD VCEP: PVS1, PM2_supporting, PP4_moderate, and PM3.

NM_000419.5(ITGA2B):c.2702C>A (p.Ser901Ter)

Gene: ITGA2B (integrin subunit alpha 2b; minus strand). Cytogenetic location: 17q21.31.
Variant type: single nucleotide variant.
Coding change: c.2702C>A on transcript NM_000419.5 (MANE Select); coding-DNA position 2702, C replaced by A.
Protein change: p.Ser901Ter; replaces serine 901 with a stop codon.
Molecular consequence: nonsense.
Genome position (GRCh38, 1-based): chr17:44,375,616, G>T on the plus strand (C>A on the coding strand, the complement: ITGA2B is on the minus strand). VCF-style: chr17-44375616-G-T. GRCh37 (hg19) VCF-style: chr17-42452984-G-T.
Other names: NM_000419.5:c.2702C>A; short protein forms S901*.
Identifiers: ClinVar variation 1879058 (VCV001879058.1), dbSNP rs2048534441, ClinGen allele CA399792888.